The following is an entry in ClinVar:

NM_001379270.1(CNGA1):c.546-5dup

Genes: CNGA1 (cyclic nucleotide gated channel subunit alpha 1; minus strand), LOC101927157 (uncharacterized LOC101927157; plus strand). Cytogenetic location: 4p12.
Variant type: Duplication.
Coding change: c.546-5dup on transcript NM_001379270.1 (MANE Select); 5 bases into the intron before coding-DNA position 546, one base duplicated (T; older notation c.546-5dupT).
Molecular consequence: intron variant.
Genome position (GRCh38, 1-based): chr4:47,940,874, A duplicated on the plus strand (T on the coding strand, the reverse complement: CNGA1 is on the minus strand); the first of 7 consecutive A bases (chr4:47,940,874-47,940,880); duplicating any one gives the same sequence. VCF-style (leftmost placement, unchanged base first): chr4-47940873-T-TA. GRCh37 (hg19) VCF-style: chr4-47942890-T-TA.
Other names: c.558-5dupT (NM_000087.3); c.546-5dup (NM_000087.5, NM_001142564.2).
Identifiers: ClinVar variation 2192225 (VCV002192225.5), dbSNP rs753915347, ClinGen allele CA2911237.

ClinVar aggregate classification (germline): Benign/Likely benign. Review status: criteria provided, multiple submitters, no conflicts (2 of 4 stars). 2 submissions from 2 submitters: Benign (1); Likely benign (1). Last evaluated 2025-12-22.

Conditions:
CNGA1-related disorder. Also called: CNGA1-related condition.

Submissions (2):

Labcorp Genetics (formerly Invitae), Labcorp
Classification: Benign. Last evaluated: 2025-12-22. Review status: criteria provided, single submitter. Criteria: Invitae Variant Classification Sherloc (09022015). Collection method: clinical testing. Allele origin: germline.

PreventionGenetics, part of Exact Sciences
Classification: Likely benign for CNGA1-related condition. Last evaluated: 2025-03-19. Review status: criteria provided, single submitter. Criteria: ACMG Guidelines, 2015. Collection method: clinical testing. Allele origin: germline.
Comment: This variant is classified as likely benign based on ACMG/AMP sequence variant interpretation guidelines (Richards et al. 2015 PMID: 25741868, with internal and published modifications).